The following is an entry in ClinVar:

ClinVar aggregate classification (germline): Uncertain significance (1 of 4 stars; one submission).

Conditions:
Hereditary cancer-predisposing syndrome. Also called: Neoplastic Syndromes, Hereditary; Tumor predisposition; Hereditary neoplastic syndrome; Hereditary Cancer Syndrome. Identifiers: Orphanet 140162, MedGen C0027672, MeSH D009386, MONDO:0015356.

Submission:

Ambry Genetics
Classification: Uncertain significance for Hereditary cancer-predisposing syndrome. Last evaluated: 2022-12-12. Review status: criteria provided, single submitter. Criteria: Ambry Variant Classification Scheme 2023. Collection method: clinical testing. Allele origin: germline.
Comment: The p.N82D variant (also known as c.244A>G), located in coding exon 2 of the BLM gene, results from an A to G substitution at nucleotide position 244. The asparagine at codon 82 is replaced by aspartic acid, an amino acid with highly similar properties. This amino acid position is conserved. In addition, this alteration is predicted to be tolerated by in silico analysis. Since supporting evidence is limited at this time, the clinical significance of this alteration remains unclear.

NM_000057.4(BLM):c.244A>G (p.Asn82Asp)

Gene: BLM (BLM RecQ like helicase; plus strand). Cytogenetic location: 15q26.1.
Variant type: single nucleotide variant.
Coding change: c.244A>G on transcript NM_000057.4 (MANE Select); coding-DNA position 244, A replaced by G.
Protein change: p.Asn82Asp; replaces asparagine 82 with aspartic acid.
Molecular consequence: missense variant. On other transcripts: 5 prime UTR variant (1).
Genome position (GRCh38, 1-based): chr15:90,749,512, A>G. VCF-style: chr15-90749512-A-G. GRCh37 (hg19) VCF-style: chr15-91292742-A-G.
Other names: c.244A>G, p.Asn82Asp (NM_001287246.2, NM_001287247.2); c.-1048A>G (NM_001287248.2); short protein forms N82D.
Identifiers: ClinVar variation 2452541 (VCV002452541.2), dbSNP rs2151146930, ClinGen allele CA393839936.